The following is an entry in ClinVar:

ClinVar aggregate classification (germline): Uncertain significance (1 of 4 stars; one submission).

Conditions:
Severe combined immunodeficiency due to DNA-PKcs deficiency. Also called: IMMUNODEFICIENCY 26 WITH NEUROLOGIC ABNORMALITIES; Immunodeficiency 26 with or without neurologic abnormalities. Identifiers: Orphanet 317425, MedGen C4014833, MONDO:0014423, OMIM 615966.

Submission:

Labcorp Genetics (formerly Invitae), Labcorp
Classification: Uncertain significance for Severe combined immunodeficiency due to DNA-PKcs deficiency. Last evaluated: 2022-08-16. Review status: criteria provided, single submitter. Criteria: Invitae Variant Classification Sherloc (09022015). Collection method: clinical testing. Allele origin: germline.
Comment: In summary, the available evidence is currently insufficient to determine the role of this variant in disease. Therefore, it has been classified as a Variant of Uncertain Significance. Experimental studies and prediction algorithms are not available or were not evaluated, and the functional significance of this variant is currently unknown. ClinVar contains an entry for this variant (Variation ID: 1382432). This variant has not been reported in the literature in individuals affected with PRKDC-related conditions. This variant is not present in population databases (gnomAD no frequency). This sequence change replaces alanine with glycine at codon 328 of the PRKDC protein (p.Ala328Gly). The alanine residue is moderately conserved and there is a small physicochemical difference between alanine and glycine.

NM_006904.7(PRKDC):c.983C>G (p.Ala328Gly)

Gene: PRKDC (protein kinase, DNA-activated, catalytic subunit; minus strand). Cytogenetic location: 8q11.21.
Variant type: single nucleotide variant.
Coding change: c.983C>G on transcript NM_006904.7 (MANE Select); coding-DNA position 983, C replaced by G.
Protein change: p.Ala328Gly; replaces alanine 328 with glycine.
Molecular consequence: missense variant.
Genome position (GRCh38, 1-based): chr8:47,939,681, G>C on the plus strand (C>G on the coding strand, the complement: PRKDC is on the minus strand). VCF-style: chr8-47939681-G-C. GRCh37 (hg19) VCF-style: chr8-48852241-G-C.
Other names: c.983C>G, p.Ala328Gly (NM_001081640.2); short protein forms A328G.
Identifiers: ClinVar variation 1382432 (VCV001382432.6), dbSNP rs769059077, ClinGen allele CA371166841.